The following is an entry in ClinVar:

ClinVar aggregate classification (germline): Uncertain significance (1 of 4 stars; one submission).

Allele frequency attached by ClinVar (database versions not stated): ExAC 0.00001.
gnomAD v4.1: 1 of 1,604,936 alleles (0.000062%); highest among the groups gnomAD compares: Admixed American, 0.0017%; no homozygotes.

Submission:

Labcorp Genetics (formerly Invitae), Labcorp
Classification: Uncertain significance. Last evaluated: 2022-03-16. Review status: criteria provided, single submitter. Criteria: Invitae Variant Classification Sherloc (09022015). Collection method: clinical testing. Allele origin: germline.
Comment: This variant has not been reported in the literature in individuals affected with DSCAML1-related conditions. In summary, the available evidence is currently insufficient to determine the role of this variant in disease. Therefore, it has been classified as a Variant of Uncertain Significance. Algorithms developed to predict the effect of missense changes on protein structure and function (SIFT, PolyPhen-2, Align-GVGD) all suggest that this variant is likely to be disruptive. This variant is present in population databases (rs750482830, gnomAD 0.003%). This sequence change replaces aspartic acid, which is acidic and polar, with glutamic acid, which is acidic and polar, at codon 1445 of the DSCAML1 protein (p.Asp1445Glu).

NM_020693.4(DSCAML1):c.4155C>G (p.Asp1385Glu)

Gene: DSCAML1 (DS cell adhesion molecule like 1; minus strand). Cytogenetic location: 11q23.3.
Variant type: single nucleotide variant.
Coding change: c.4155C>G on transcript NM_020693.4 (MANE Select); coding-DNA position 4155, C replaced by G.
Protein change: p.Asp1385Glu; replaces aspartic acid 1385 with glutamic acid.
Molecular consequence: missense variant.
Genome position (GRCh38, 1-based): chr11:117,438,973, G>C on the plus strand (C>G on the coding strand, the complement: DSCAML1 is on the minus strand). VCF-style: chr11-117438973-G-C. GRCh37 (hg19) VCF-style: chr11-117309689-G-C.
Other names: short protein forms D1385E.
Identifiers: ClinVar variation 2112892 (VCV002112892.4), dbSNP rs750482830, ClinGen allele CA6296467.